The following is an entry in ClinVar:

ClinVar aggregate classification (germline): Conflicting classifications of pathogenicity. Review status: criteria provided, conflicting classifications (1 of 4 stars). 3 submissions from 3 submitters: Uncertain significance (2); Benign (1). Last evaluated 2025-02-24.

Conditions:
Ehlers-Danlos syndrome, dermatosparaxis type. Also called: Ehlers-Danlos syndrome, type VII, autosomal recessive; EDS VIIC; Dermatosparaxis. Identifiers: Orphanet 1901, MedGen C2700425, MONDO:0009161, OMIM 225410.

Submissions (3):

Women's Health and Genetics/Laboratory Corporation of America, LabCorp
Classification: Uncertain significance. Last evaluated: 2025-02-24. Review status: criteria provided, single submitter. Criteria: LabCorp Variant Classification Summary - May 2015. Collection method: clinical testing. Allele origin: germline.
Comment: Variant summary: ADAMTS2 c.2930G>A (p.Gly977Asp) results in a non-conservative amino acid change located in the Thrombospondin type 1 repeats (IPR000884) of the encoded protein sequence. Four of five in-silico tools predict a damaging effect of the variant on protein function. The variant was absent in 248246 control chromosomes. The available data on variant occurrences in the general population are insufficient to allow any conclusion about variant significance. To our knowledge, no occurrence of c.2930G>A in individuals affected with Ehlers-Danlos syndrome, dermatosparaxis type and no experimental evidence demonstrating its impact on protein function have been reported. ClinVar contains an entry for this variant (Variation ID: 905621). Based on the evidence outlined above, the variant was classified as uncertain significance.

Laboratory of Genetics, Children's Clinical University Hospital Latvia
Classification: Benign. Last evaluated: 2025-02-16. Review status: criteria provided, single submitter. Criteria: ACMG Guidelines, 2015. Collection method: clinical testing. Allele origin: germline. Affected: yes.

Illumina Laboratory Services, Illumina
Classification: Uncertain significance for Ehlers-Danlos syndrome, dermatosparaxis type. Last evaluated: 2018-01-13. Review status: criteria provided, single submitter. Criteria: ICSL Variant Classification Criteria 13 December 2019. Collection method: clinical testing. Allele origin: germline.

NM_014244.5(ADAMTS2):c.2930G>A (p.Gly977Asp)

Gene: ADAMTS2 (ADAM metallopeptidase with thrombospondin type 1 motif 2; minus strand). Cytogenetic location: 5q35.3.
Variant type: single nucleotide variant.
Coding change: c.2930G>A on transcript NM_014244.5 (MANE Select); coding-DNA position 2930, G replaced by A.
Protein change: p.Gly977Asp; replaces glycine 977 with aspartic acid.
Molecular consequence: missense variant.
Genome position (GRCh38, 1-based): chr5:179,125,001, C>T on the plus strand (G>A on the coding strand, the complement: ADAMTS2 is on the minus strand). VCF-style: chr5-179125001-C-T. GRCh37 (hg19) VCF-style: chr5-178552002-C-T.
Other names: short protein forms G977D.
Identifiers: ClinVar variation 905621 (VCV000905621.6), dbSNP rs1200659345, ClinGen allele CA362419847.
Genomic context (GRCh38, chr5:179,125,001, plus strand): 5'-AGCTGAGGACACGGGATCGGGGGATTGCGTACCTGGGACCAGGGCCCGGCTCGCCAACGA[C>T]CAGGGCAGAGCTCGCGGCTGCAGGCCCGGCGGCTCTCGGGCCGGGCGTCATTGCAGTGCT-3'
Protein context (NP_055059.2, residues 967-987): RRACSRELCP[Gly977Asp]RWRAGPWSQC